The following is an entry in ClinVar:

ClinVar aggregate classification (germline): Uncertain significance (1 of 4 stars; one submission).

Conditions:
Cerebellar dysfunction with variable cognitive and behavioral abnormalities (CECBA). Also called: Nonprogressive cerebellar atxia with intellectual disability. Identifiers: Orphanet 314647, MedGen C3553661, MONDO:0013886, OMIM 614756.

gnomAD v4.1: 3 of 152,180 alleles (0.002%); highest among the groups gnomAD compares: Admixed American, 0.0065%; no homozygotes.

Submission:

3billion
Classification: Uncertain significance for Cerebellar dysfunction with variable cognitive and behavioral abnormalities. Last evaluated: 2025-06-17. Review status: criteria provided, single submitter. Criteria: ACMG Guidelines, 2015. Collection method: clinical testing. Allele origin: germline. Affected: yes.
Comment: The variant is observed at an extremely low frequency in the gnomAD v4.1.0 dataset (total allele frequency: 0.002%). Predicted Consequence/Location: Intron variant In silico tools predict the variant to alter splicing and produce an abnormal transcript [SpliceAI: 0.28 (>=0.2, moderate evidence for spliceogenicity)]. Therefore, this variant is classified as VUS according to the recommendation of ACMG/AMP guideline.

NM_015215.4(CAMTA1):c.235-69038G>A

Gene: CAMTA1 (calmodulin binding transcription activator 1; plus strand). Cytogenetic location: 1p36.31.
Variant type: single nucleotide variant.
Coding change: c.235-69038G>A on transcript NM_015215.4 (MANE Select); 69038 bases into the intron before coding-DNA position 235, G replaced by A.
Molecular consequence: intron variant.
Genome position (GRCh38, 1-based): chr1:7,022,266, G>A. VCF-style: chr1-7022266-G-A. GRCh37 (hg19) VCF-style: chr1-7082326-G-A.
Other names: c.235-69038G>A (NM_001349609.2, NM_001349610.2, NM_001410737.1 and 1 more transcripts); c.145-69038G>A (NM_001349608.2, NM_001349612.2).
Identifiers: ClinVar variation 4856335 (VCV004856335.1).